The following is an entry in ClinVar:

NM_001276270.2(MBD4):c.668T>A (p.Val223Asp)

Gene: MBD4 (methyl-CpG binding domain 4, DNA glycosylase; minus strand). Cytogenetic location: 3q21.3.
Variant type: single nucleotide variant.
Coding change: c.668T>A on transcript NM_001276270.2 (MANE Select); coding-DNA position 668, T replaced by A.
Protein change: p.Val223Asp; replaces valine 223 with aspartic acid.
Molecular consequence: missense variant. On other transcripts: intron variant (1).
Genome position (GRCh38, 1-based): chr3:129,436,976, A>T on the plus strand (T>A on the coding strand, the complement: MBD4 is on the minus strand). VCF-style: chr3-129436976-A-T. GRCh37 (hg19) VCF-style: chr3-129155819-A-T.
Other names: c.668T>A, p.Val223Asp (NM_001276271.2, NM_001276272.2, NM_003925.3); c.247+832T>A (NM_001276273.2); short protein forms V223D.
Identifiers: ClinVar variation 4735894 (VCV004735894.1).

ClinVar aggregate classification (germline): Uncertain significance (1 of 4 stars; one submission).

gnomAD v4.1: 13 of 1,614,198 alleles (0.00081%); highest among the groups gnomAD compares: Non-Finnish European, 0.0011%; no homozygotes.

Submission:

Labcorp Genetics (formerly Invitae), Labcorp
Classification: Uncertain significance. Last evaluated: 2026-01-21. Review status: criteria provided, single submitter. Criteria: Invitae Variant Classification Sherloc (09022015). Collection method: clinical testing. Allele origin: germline.
Comment: This sequence change replaces valine, which is neutral and non-polar, with aspartic acid, which is acidic and polar, at codon 223 of the MBD4 protein (p.Val223Asp). This variant is present in population databases (no rsID available, gnomAD 0.0009%). This variant has not been reported in the literature in individuals affected with MBD4-related conditions. An algorithm developed to predict the effect of missense changes on protein structure and function (PolyPhen-2) suggests that this variant is likely to be disruptive. In summary, the available evidence is currently insufficient to determine the role of this variant in disease. Therefore, it has been classified as a Variant of Uncertain Significance.